The following is an entry in ClinVar:

ClinVar aggregate classification (germline): Uncertain significance (1 of 4 stars; one submission).

Allele frequency attached by ClinVar (database versions not stated): ExAC 0.00001; gnomAD exomes 0.00001.
gnomAD v4.1: 11 of 1,614,140 alleles (0.00068%); highest among the groups gnomAD compares: Non-Finnish European, 0.00042%; no homozygotes.

Submission:

Labcorp Genetics (formerly Invitae), Labcorp
Classification: Uncertain significance. Last evaluated: 2022-09-30. Review status: criteria provided, single submitter. Criteria: Invitae Variant Classification Sherloc (09022015). Collection method: clinical testing. Allele origin: germline.
Comment: This variant is present in population databases (rs773094510, gnomAD 0.01%). In summary, the available evidence is currently insufficient to determine the role of this variant in disease. Therefore, it has been classified as a Variant of Uncertain Significance. Advanced modeling of protein sequence and biophysical properties (such as structural, functional, and spatial information, amino acid conservation, physicochemical variation, residue mobility, and thermodynamic stability) performed at Invitae indicates that this missense variant is not expected to disrupt GRHL2 protein function. This variant has not been reported in the literature in individuals affected with GRHL2-related conditions. This sequence change replaces valine, which is neutral and non-polar, with glycine, which is neutral and non-polar, at codon 525 of the GRHL2 protein (p.Val525Gly).

NM_024915.4(GRHL2):c.1574T>G (p.Val525Gly)

Genes: GRHL2 (grainyhead like transcription factor 2; plus strand), LOC126860461 (CDK7 strongly-dependent group 2 enhancer GRCh37_chr8:102655529-102656728; plus strand). Cytogenetic location: 8q22.3.
Variant type: single nucleotide variant.
Coding change: c.1574T>G on transcript NM_024915.4 (MANE Select); coding-DNA position 1574, T replaced by G.
Protein change: p.Val525Gly; replaces valine 525 with glycine.
Molecular consequence: missense variant.
Genome position (GRCh38, 1-based): chr8:101,644,187, T>G. VCF-style: chr8-101644187-T-G. GRCh37 (hg19) VCF-style: chr8-102656415-T-G.
Other names: c.1526T>G, p.Val509Gly (NM_001330593.2); short protein forms V509G, V525G.
Identifiers: ClinVar variation 1925600 (VCV001925600.5), dbSNP rs773094510, ClinGen allele CA4830624.